The following is an entry in ClinVar:

NM_006939.4(SOS2):c.2232_2233delinsTC (p.Gly745Arg)

Gene: SOS2 (SOS Ras/Rho guanine nucleotide exchange factor 2; minus strand). Cytogenetic location: 14q21.3.
Variant type: Indel.
Coding change: c.2232_2233delinsTC on transcript NM_006939.4 (MANE Select); coding-DNA positions 2232 to 2233, CG replaced by TC.
Protein change: p.Gly745Arg; replaces glycine 745 with arginine.
Molecular consequence: missense variant.
Genome position (GRCh38, 1-based): chr14:50,150,159-50,150,160, CG replaced by GA on the plus strand (CG replaced by TC on the coding strand, the reverse complement: SOS2 is on the minus strand). VCF-style: chr14-50150159-CG-GA. GRCh37 (hg19) VCF-style: chr14-50616877-CG-GA.
Other names: c.2133_2134delinsTC, p.Gly712Arg (NM_001411020.1); short protein forms G745R, G712R.
Identifiers: ClinVar variation 3692100 (VCV003692100.2).

ClinVar aggregate classification (germline): Uncertain significance (1 of 4 stars; one submission).

Conditions:
Noonan syndrome 9 (NS9). Identifiers: Orphanet 648, MedGen C4225282, MONDO:0014691, OMIM 616559.

Submission:

Labcorp Genetics (formerly Invitae), Labcorp
Classification: Uncertain significance for Noonan syndrome 9. Last evaluated: 2024-08-08. Review status: criteria provided, single submitter. Criteria: Invitae Variant Classification Sherloc (09022015). Collection method: clinical testing. Allele origin: germline.
Comment: This sequence change replaces glycine, which is neutral and non-polar, with arginine, which is basic and polar, at codon 745 of the SOS2 protein (p.Gly745Arg). Information on the frequency of this variant in the gnomAD database is not available, as this variant may be reported differently in the database. This variant has not been reported in the literature in individuals affected with SOS2-related conditions. Experimental studies and prediction algorithms are not available or were not evaluated, and the functional significance of this variant is currently unknown. In summary, the available evidence is currently insufficient to determine the role of this variant in disease. Therefore, it has been classified as a Variant of Uncertain Significance.